The following is an entry in ClinVar:

NM_005749.4(TOB1):c.936dup (p.Tyr313fs)

Gene: TOB1 (transducer of ERBB2, 1; minus strand). Cytogenetic location: 17q21.33.
Variant type: Duplication.
Coding change: c.936dup on transcript NM_005749.4 (MANE Select); coding-DNA position 936, one base duplicated (C; older notation c.936dupC).
Protein change: p.Tyr313fs; shifts the reading frame from tyrosine 313.
Molecular consequence: frameshift variant.
Genome position (GRCh38, 1-based): chr17:50,863,082, G duplicated on the plus strand (C on the coding strand, the reverse complement: TOB1 is on the minus strand); the first of 2 consecutive G bases (chr17:50,863,082-50,863,083); duplicating either gives the same sequence. VCF-style (leftmost placement, unchanged base first): chr17-50863081-A-AG. GRCh37 (hg19) VCF-style: chr17-48940442-A-AG.
Other names: c.936dup, p.Tyr313fs (NM_001243877.2); c.519dup, p.Tyr174fs (NM_001243885.2); short protein forms Y174fs, Y313fs.
Identifiers: ClinVar variation 4851769 (VCV004851769.1).

ClinVar aggregate classification (germline): Uncertain significance (1 of 4 stars; one submission).

Submission:

Greenwood Genetic Center Diagnostic Laboratories, Greenwood Genetic Center
Classification: Uncertain significance. Last evaluated: 2025-01-21. Review status: criteria provided, single submitter. Criteria: ACMG Guidelines, 2015. Collection method: clinical testing. Allele origin: germline.
Comment: Gene of Uncertain Significance